The following is an entry in ClinVar:

ClinVar aggregate classification (germline): Uncertain significance (1 of 4 stars; one submission).

Conditions:
Primary ciliary dyskinesia 19. Also called: CILIARY DYSKINESIA, PRIMARY, 19, WITH OR WITHOUT SITUS INVERSUS. Identifiers: Orphanet 244, MedGen C3543826, MONDO:0013979, OMIM 614935.

Allele frequency attached by ClinVar (database versions not stated): TOPMed 0.00001.
gnomAD v4.1: 5 of 1,614,038 alleles (0.00031%); highest among the groups gnomAD compares: Non-Finnish European, 0.00042%; no homozygotes.

Submission:

Labcorp Genetics (formerly Invitae), Labcorp
Classification: Uncertain significance for Primary ciliary dyskinesia 19. Last evaluated: 2019-05-05. Review status: criteria provided, single submitter. Criteria: Invitae Variant Classification Sherloc (09022015). Collection method: clinical testing. Allele origin: germline.
Comment: This variant has not been reported in the literature in individuals with LRRC6-related conditions. In summary, the available evidence is currently insufficient to determine the role of this variant in disease. Therefore, it has been classified as a Variant of Uncertain Significance. Algorithms developed to predict the effect of missense changes on protein structure and function are either unavailable or do not agree on the potential impact of this missense change (SIFT: "Deleterious"; PolyPhen-2: "Probably Damaging"; Align-GVGD: "Class C0"). This variant is present in population databases (rs148650529, ExAC 0.002%). This sequence change replaces arginine with glycine at codon 10 of the LRRC6 protein (p.Arg10Gly). The arginine residue is highly conserved and there is a moderate physicochemical difference between arginine and glycine.

NM_012472.6(DNAAF11):c.28A>G (p.Arg10Gly)

Gene: DNAAF11 (dynein axonemal assembly factor 11; minus strand). Cytogenetic location: 8q24.22.
Variant type: single nucleotide variant.
Coding change: c.28A>G on transcript NM_012472.6 (MANE Select); coding-DNA position 28, A replaced by G.
Protein change: p.Arg10Gly; replaces arginine 10 with glycine.
Molecular consequence: missense variant. On other transcripts: 5 prime UTR variant (4), non-coding transcript variant (7), intron variant (1).
Genome position (GRCh38, 1-based): chr8:132,661,610, T>C on the plus strand (A>G on the coding strand, the complement: DNAAF11 is on the minus strand). VCF-style: chr8-132661610-T-C. GRCh37 (hg19) VCF-style: chr8-133673856-T-C.
Other names: c.28A>G, p.Arg10Gly (NM_001321961.2); c.-333A>G (NM_001321963.2, NM_001321964.2, NM_001321966.2); c.-646A>G (NM_001321965.2); c.10+13874A>G (NM_001321962.2); short protein forms R10G.
Identifiers: ClinVar variation 948993 (VCV000948993.7), dbSNP rs148650529, ClinGen allele CA4881490.